The following is an entry in ClinVar:

NM_001011.4(RPS7):c.147+5G>C

Gene: RPS7 (ribosomal protein S7; plus strand). Cytogenetic location: 2p25.3.
Variant type: single nucleotide variant.
Coding change: c.147+5G>C on transcript NM_001011.4 (MANE Select); 5 bases into the intron after coding-DNA position 147, G replaced by C.
Molecular consequence: intron variant.
Genome position (GRCh38, 1-based): chr2:3,575,893, G>C. VCF-style: chr2-3575893-G-C. GRCh37 (hg19) VCF-style: chr2-3623483-G-C.
Identifiers: ClinVar variation 2105114 (VCV002105114.4), dbSNP rs1470821464, ClinGen allele CA2576666514.

ClinVar aggregate classification (germline): Uncertain significance (1 of 4 stars; one submission).

Conditions:
Diamond-Blackfan anemia 8 (DBA8). Also called: RPS7-Related Diamond-Blackfan Anemia. Identifiers: Orphanet 124, MedGen C2675511, MONDO:0012939, OMIM 612563.

Submission:

Labcorp Genetics (formerly Invitae), Labcorp
Classification: Uncertain significance for Diamond-Blackfan anemia 8. Last evaluated: 2022-10-04. Review status: criteria provided, single submitter. Criteria: Invitae Variant Classification Sherloc (09022015). Collection method: clinical testing. Allele origin: germline.
Comment: In summary, the available evidence is currently insufficient to determine the role of this variant in disease. Therefore, it has been classified as a Variant of Uncertain Significance. Variants that disrupt the consensus splice site are a relatively common cause of aberrant splicing (PMID: 17576681, 9536098). Algorithms developed to predict the effect of sequence changes on RNA splicing suggest that this variant is not likely to affect RNA splicing. This variant has not been reported in the literature in individuals affected with RPS7-related conditions. This variant is not present in population databases (gnomAD no frequency). This sequence change falls in intron 3 of the RPS7 gene. It does not directly change the encoded amino acid sequence of the RPS7 protein. It affects a nucleotide within the consensus splice site.

Literature cited by the submitters: PubMed 17576681; PubMed 9536098.